The following is an entry in ClinVar:

ClinVar aggregate classification (germline): Pathogenic (1 of 4 stars; one submission).

Conditions:
Hereditary cancer-predisposing syndrome. Also called: Hereditary Cancer Syndrome; Hereditary neoplastic syndrome; Neoplastic Syndromes, Hereditary; Tumor predisposition. Identifiers: Orphanet 140162, MedGen C0027672, MeSH D009386, MONDO:0015356.

Submission:

Ambry Genetics
Classification: Pathogenic for Hereditary cancer-predisposing syndrome. Last evaluated: 2015-10-22. Review status: criteria provided, single submitter. Criteria: Ambry Variant Classification Scheme 2023. Collection method: clinical testing. Allele origin: germline.
Comment: The c.9473_9474dupCA pathogenic mutation, located in coding exon 24 of the BRCA2 gene, results from a duplication of CA at nucleotide position 9473, causing a translational frameshift with a predicted alternate stop codon. Since frameshifts are typically deleterious in nature, this alteration is interpreted as a disease-causing mutation (ACMG Recommendations for Standards for Interpretation and Reporting of Sequence Variations. Revision 2007. Genet Med. 2008;10:294).

NM_000059.4(BRCA2):c.9473_9474dup (p.Phe3159fs)

Gene: BRCA2 (BRCA2 DNA repair associated; plus strand). Cytogenetic location: 13q13.1.
Variant type: Duplication.
Coding change: c.9473_9474dup on transcript NM_000059.4 (MANE Select); coding-DNA positions 9473 to 9474, 2 bases duplicated (CA; older notation c.9473_9474dupCA).
Protein change: p.Phe3159fs; shifts the reading frame from phenylalanine 3159.
Molecular consequence: frameshift variant.
Genome position (GRCh38, 1-based): chr13:32,394,905-32,394,906, CA duplicated; duplicating any 2 consecutive bases within chr13:32,394,904-32,394,906 gives the same sequence; the c. name uses the placement nearest the transcript's 3' end. VCF-style (leftmost placement, unchanged base first): chr13-32394903-G-GAC. GRCh37 (hg19) VCF-style: chr13-32969040-G-GAC.
Other names: c.9473_9474dupCA (NM_000059.3); c.9377_9378dup, p.Phe3127Hisfs (NM_001406719.1); c.9422_9423dup, p.Phe3142Hisfs (NM_001406720.1); c.4541_4542dup, p.Phe1515Hisfs (NM_001406721.1); c.3056_3057dup, p.Phe1020Hisfs (NM_001406722.1); short protein forms F3159fs.
Identifiers: ClinVar variation 1767078 (VCV001767078.2), dbSNP rs2073025173, ClinGen allele CA2580087379.